The following is an entry in ClinVar:

NM_015662.3(IFT172):c.1698T>A (p.Asp566Glu)

Gene: IFT172 (intraflagellar transport 172; minus strand). Cytogenetic location: 2p23.3.
Variant type: single nucleotide variant.
Coding change: c.1698T>A on transcript NM_015662.3 (MANE Select); coding-DNA position 1698, T replaced by A.
Protein change: p.Asp566Glu; replaces aspartic acid 566 with glutamic acid.
Molecular consequence: missense variant.
Genome position (GRCh38, 1-based): chr2:27,465,877, A>T on the plus strand (T>A on the coding strand, the complement: IFT172 is on the minus strand). VCF-style: chr2-27465877-A-T. GRCh37 (hg19) VCF-style: chr2-27688744-A-T.
Other names: c.1698T>A (NM_015662.2, NM_015662.1); short protein forms D566E.
Identifiers: ClinVar variation 999506 (VCV000999506.11), dbSNP rs765731241, ClinGen allele CA346387548.
Genomic context (GRCh38, chr2:27,465,877, plus strand): 5'-AGTCACACCTTCCATCACCATCACCTCGGTCTTTCCCCCGCCCCGCTCCAGACCTATAAC[A>T]TCACCCTGTAAAAGTTTATCCCCCAACCCACCCCAATTTCAGGTTAGTTTCCACTGAATC-3'
Protein context (NP_056477.1, residues 556-576): ERVTMFTIRG[Asp566Glu]VIGLERGGGK

ClinVar aggregate classification (germline): Uncertain significance. Review status: criteria provided, multiple submitters, no conflicts (2 of 4 stars). 5 submissions from 5 submitters: Uncertain significance (5). Last evaluated 2023-05-12.

Conditions:
IFT172-related disorder. Also called: IFT172-related disorders; IFT172-related condition.
Retinitis pigmentosa 71 (RP71). Identifiers: Orphanet 791, MedGen C4225342, MONDO:0014618, OMIM 616394.
Bardet-Biedl syndrome 20. Identifiers: MedGen C4310707, MONDO:0023670, OMIM 619471, MONDO:0014926.
Short-rib thoracic dysplasia 10 with or without polydactyly (SRTD10). Identifiers: Orphanet 474, MedGen C3810175, MONDO:0014284, OMIM 615630.
Inborn genetic diseases. Identifiers: MedGen C0950123, MeSH D030342.

Allele frequency attached by ClinVar (database versions not stated): gnomAD exomes below 0.00001; TOPMed below 0.00001.
gnomAD v4.1: 3 of 1,613,908 alleles (0.00019%); highest among the groups gnomAD compares: East Asian, 0.0022%; no homozygotes.

Submissions (5):

PreventionGenetics, part of Exact Sciences
Classification: Uncertain significance for IFT172-related condition. Last evaluated: 2023-05-12. Review status: criteria provided, single submitter. Criteria: ACMG Guidelines, 2015. Collection method: clinical testing. Allele origin: germline.
Comment: The IFT172 c.1698T>A variant is predicted to result in the amino acid substitution p.Asp566Glu. To our knowledge, this variant has not been reported in the literature or in a large population database, indicating this variant is rare. At this time, the clinical significance of this variant is uncertain due to the absence of conclusive functional and genetic evidence.

Blueprint Genetics
Classification: Uncertain significance. Last evaluated: 2023-04-28. Review status: criteria provided, single submitter. Criteria: ACMG Guidelines, 2015. Collection method: clinical testing. Allele origin: germline.

Labcorp Genetics (formerly Invitae), Labcorp
Classification: Uncertain significance for Retinitis pigmentosa 71; Short-rib thoracic dysplasia 10 with or without polydactyly. Last evaluated: 2022-09-27. Review status: criteria provided, single submitter. Criteria: Invitae Variant Classification Sherloc (09022015). Collection method: clinical testing. Allele origin: germline.
Comment: Algorithms developed to predict the effect of sequence changes on RNA splicing suggest that this variant may disrupt the consensus splice site. In summary, the available evidence is currently insufficient to determine the role of this variant in disease. Therefore, it has been classified as a Variant of Uncertain Significance. Advanced modeling of protein sequence and biophysical properties (such as structural, functional, and spatial information, amino acid conservation, physicochemical variation, residue mobility, and thermodynamic stability) performed at Invitae indicates that this missense variant is not expected to disrupt IFT172 protein function. ClinVar contains an entry for this variant (Variation ID: 999506). This variant has not been reported in the literature in individuals affected with IFT172-related conditions. This variant is not present in population databases (gnomAD no frequency). This sequence change replaces aspartic acid, which is acidic and polar, with glutamic acid, which is acidic and polar, at codon 566 of the IFT172 protein (p.Asp566Glu).

Ambry Genetics
Classification: Uncertain significance for Inborn genetic diseases. Last evaluated: 2022-01-26. Review status: criteria provided, single submitter. Criteria: Ambry Variant Classification Scheme 2023. Collection method: clinical testing. Allele origin: germline.

Fulgent Genetics
Classification: Uncertain significance for Short-rib thoracic dysplasia 10 with or without polydactyly; Retinitis pigmentosa 71; Bardet-Biedl syndrome 20. Last evaluated: 2021-11-30. Review status: criteria provided, single submitter. Criteria: ACMG Guidelines, 2015. Collection method: clinical testing. Allele origin: unknown.